The following is an entry in ClinVar:

ClinVar aggregate classification (germline): Conflicting classifications of pathogenicity. Review status: criteria provided, conflicting classifications (1 of 4 stars). 2 submissions from 2 submitters: Uncertain significance (1); Likely benign (1). Last evaluated 2025-11-13.

Conditions:
Multiple congenital anomalies-hypotonia-seizures syndrome 1 (MCAHS1). Also called: PIGN-CDG; Congenital disorder of glycosylation due to PIGN deficiency; GLYCOSYLPHOSPHATIDYLINOSITOL BIOSYNTHESIS DEFECT 3. Identifiers: Orphanet 280633, MedGen C3279775, MONDO:0013563, OMIM 614080.
Inborn genetic diseases. Identifiers: MedGen C0950123, MeSH D030342.

Allele frequency attached by ClinVar (database versions not stated): gnomAD exomes below 0.00001; TOPMed below 0.00001; gnomAD 0.00001.
gnomAD v4.1: 7 of 1,540,580 alleles (0.00045%); highest among the groups gnomAD compares: African/African-American, 0.0054%; no homozygotes.

Submissions (2):

Ambry Genetics
Classification: Likely benign for Inborn genetic diseases. Last evaluated: 2025-11-13. Review status: criteria provided, single submitter. Criteria: Ambry Variant Classification Scheme 2023. Collection method: clinical testing. Allele origin: germline.

Labcorp Genetics (formerly Invitae), Labcorp
Classification: Uncertain significance for Multiple congenital anomalies-hypotonia-seizures syndrome 1. Last evaluated: 2022-08-08. Review status: criteria provided, single submitter. Criteria: Invitae Variant Classification Sherloc (09022015). Collection method: clinical testing. Allele origin: germline.
Comment: This sequence change replaces isoleucine, which is neutral and non-polar, with valine, which is neutral and non-polar, at codon 324 of the PIGN protein (p.Ile324Val). This variant is not present in population databases (gnomAD no frequency). This variant has not been reported in the literature in individuals affected with PIGN-related conditions. ClinVar contains an entry for this variant (Variation ID: 1465698). Algorithms developed to predict the effect of missense changes on protein structure and function output the following: SIFT: "Not Available"; PolyPhen-2: "Benign"; Align-GVGD: "Not Available". The valine amino acid residue is found in multiple mammalian species, which suggests that this missense change does not adversely affect protein function. In summary, the available evidence is currently insufficient to determine the role of this variant in disease. Therefore, it has been classified as a Variant of Uncertain Significance.

NM_176787.5(PIGN):c.970A>G (p.Ile324Val)

Gene: PIGN (phosphatidylinositol glycan anchor biosynthesis class N; minus strand). Cytogenetic location: 18q21.33.
Variant type: single nucleotide variant.
Coding change: c.970A>G on transcript NM_176787.5 (MANE Select); coding-DNA position 970, A replaced by G.
Protein change: p.Ile324Val; replaces isoleucine 324 with valine.
Molecular consequence: missense variant.
Genome position (GRCh38, 1-based): chr18:62,140,473, T>C on the plus strand (A>G on the coding strand, the complement: PIGN is on the minus strand). VCF-style: chr18-62140473-T-C. GRCh37 (hg19) VCF-style: chr18-59807706-T-C.
Other names: c.970A>G, p.Ile324Val (NM_012327.6); c.970A>G (NM_176787.4); short protein forms I324V.
Identifiers: ClinVar variation 1465698 (VCV001465698.4), dbSNP rs2036093894, ClinGen allele CA402608180.